The following is an entry in ClinVar:

NM_015102.5(NPHP4):c.634C>T (p.Gln212Ter)

Gene: NPHP4 (nephrocystin 4; minus strand). Cytogenetic location: 1p36.31.
Variant type: single nucleotide variant.
Coding change: c.634C>T on transcript NM_015102.5 (MANE Select); coding-DNA position 634, C replaced by T.
Protein change: p.Gln212Ter; replaces glutamine 212 with a stop codon.
Molecular consequence: nonsense. On other transcripts: 5 prime UTR variant (2), non-coding transcript variant (1).
Genome position (GRCh38, 1-based): chr1:5,961,833, G>A on the plus strand (C>T on the coding strand, the complement: NPHP4 is on the minus strand). VCF-style: chr1-5961833-G-A. GRCh37 (hg19) VCF-style: chr1-6021893-G-A.
Other names: c.-596C>T (NM_001291593.2); c.-733C>T (NM_001291594.2); short protein forms Q212*.
Identifiers: ClinVar variation 5006920 (VCV005006920.2).

ClinVar aggregate classification (germline): Likely pathogenic (1 of 4 stars; one submission).

Conditions:
Senior-Loken syndrome 4 (SLSN4). Identifiers: Orphanet 3156, MedGen C1846979, MONDO:0011756, OMIM 606996.
Nephronophthisis 4 (NPHP4). Also called: NEPHRONOPHTHISIS 4, JUVENILE. Identifiers: Orphanet 655, MedGen C1847013, MONDO:0011752, OMIM 606966.

gnomAD v4.1: 2 of 1,613,478 alleles (0.00012%); highest among the groups gnomAD compares: Non-Finnish European, 0.00017%; no homozygotes.

Submission:

Juno Genomics, Hangzhou Juno Genomics, Inc
Classification: Likely pathogenic for Nephronophthisis 4; Senior-Loken syndrome 4. Review status: criteria provided, single submitter. Criteria: ACMG Guidelines, 2015. Collection method: clinical testing. Allele origin: germline.
Comment: Null variant in a gene where loss of function (LOF) is a known mechanism of disease.;Absent from controls (or at extremely low frequency if recessive) in Genome Aggregation Database.